The following is an entry in ClinVar:

NM_005859.5(PURA):c.38_39delinsT (p.Ala13fs)

Gene: PURA (purine rich element binding protein A; plus strand). Cytogenetic location: 5q31.3.
Variant type: Indel.
Coding change: c.38_39delinsT on transcript NM_005859.5 (MANE Select); coding-DNA positions 38 to 39, CG replaced by T.
Protein change: p.Ala13fs; shifts the reading frame from alanine 13.
Molecular consequence: frameshift variant.
Genome position (GRCh38, 1-based): chr5:140,114,219-140,114,220, CG replaced by T. VCF-style: chr5-140114219-CG-T. GRCh37 (hg19) VCF-style: chr5-139493804-CG-T.
Other names: short protein forms A13fs.
Identifiers: ClinVar variation 4531972 (VCV004531972.1).

ClinVar aggregate classification (germline): Pathogenic (1 of 4 stars; one submission).

Conditions:
PURA-related severe neonatal hypotonia-seizures-encephalopathy syndrome (NEDRIHF). Also called: NEURODEVELOPMENTAL DISORDER WITH NEONATAL RESPIRATORY INSUFFICIENCY, HYPOTONIA, AND FEEDING DIFFICULTIES; PURA-Related Neurodevelopmental Disorders. Identifiers: Orphanet 438213, Orphanet 438216, MedGen C4015357, MONDO:1060108, OMIM 616158, MONDO:0018580.

Submission:

Victorian Clinical Genetics Services, Murdoch Childrens Research Institute
Classification: Pathogenic for PURA-related severe neonatal hypotonia-seizures-encephalopathy syndrome. Last evaluated: 2024-12-10. Review status: criteria provided, single submitter. Criteria: ACMG Guidelines, 2015. Collection method: clinical testing. Allele origin: germline. Affected: yes.
Comment: This variant is classified as Pathogenic. Evidence in support of pathogenic classification: Variant is predicted to result in a truncated protein (premature termination codon is NOT located at least 54 nucleotides upstream of the final exon-exon junction) with at least 1/3 of the protein sequence affected; Variant is absent from gnomAD (v2, v3 and v4); Other downstream protein truncating variant(s) comparable to the one identified in this case have very strong previous evidence for pathogenicity (DECIPHER); Additional information: This variant is heterozygous; This gene is associated with autosomal dominant disease; This variant has no previous evidence of pathogenicity; No published segregation evidence has been identified for this variant; No published functional evidence has been identified for this variant; Loss of function is a likely mechanism of disease in this gene and is associated with neurodevelopmental disorder with neonatal respiratory insufficiency, hypotonia, and feeding difficulties (MIM#616158; PMID: 28448108); Variants in this gene are known to have variable expressivity (PMID: 29097605).

Literature cited by the submitters: PubMed 29097605; PubMed 28448108.